The following is an entry in ClinVar:

NM_001349.4(DARS1):c.1277T>C (p.Leu426Ser)

Gene: DARS1 (aspartyl-tRNA synthetase 1; minus strand). Cytogenetic location: 2q21.3.
Variant type: single nucleotide variant.
Coding change: c.1277T>C on transcript NM_001349.4 (MANE Select); coding-DNA position 1277, T replaced by C.
Protein change: p.Leu426Ser; replaces leucine 426 with serine.
Molecular consequence: missense variant.
Genome position (GRCh38, 1-based): chr2:135,911,447, A>G on the plus strand (T>C on the coding strand, the complement: DARS1 is on the minus strand). VCF-style: chr2-135911447-A-G. GRCh37 (hg19) VCF-style: chr2-136669017-A-G.
Other names: c.977T>C, p.Leu326Ser (NM_001293312.1); short protein forms L426S, L326S.
Identifiers: ClinVar variation 488394 (VCV000488394.7), dbSNP rs377510027, ClinGen allele CA1889508.

ClinVar aggregate classification (germline): Conflicting classifications of pathogenicity. Review status: criteria provided, conflicting classifications (1 of 4 stars). 3 submissions from 3 submitters: Likely pathogenic (1); Uncertain significance (2). Last evaluated 2024-06-25.

Conditions:
Hypomyelination with brain stem and spinal cord involvement and leg spasticity. Also called: ASPARTYL-tRNA SYNTHETASE DEFICIENCY; Hypomyelination with brainstem and spinal cord involvement and leg spasticity. Identifiers: Orphanet 363412, MedGen C4755254, MONDO:0014115, OMIM 615281.

Allele frequency attached by ClinVar (database versions not stated): gnomAD 0.00001; gnomAD exomes 0.00001; ExAC 0.00002; 1000 Genomes Project 30x 0.00016; 1000 Genomes Project 0.00020.
gnomAD v4.1: 11 of 1,103,272 alleles (0.001%); highest among the groups gnomAD compares: East Asian, 0.0094%; no homozygotes.

Submissions (3):

3billion
Classification: Uncertain significance for Hypomyelination with brain stem and spinal cord involvement and leg spasticity. Last evaluated: 2024-06-25. Review status: criteria provided, single submitter. Criteria: ACMG Guidelines, 2015. Collection method: clinical testing. Allele origin: germline. Affected: yes.
Comment: The variant is observed at an extremely low frequency in the gnomAD v4.0.0 dataset (total allele frequency: <0.001%). Predicted Consequence/Location: Missense variant In silico tool predictions suggest damaging effect of the variant on gene or gene product [REVEL: 0.85 (>=0.6, sensitivity 0.68 and specificity 0.92)]. The same nucleotide change resulting in the same amino acid change has been previously reported to be associated with DARS1-related disorder (ClinVar ID: VCV000488394 /PMID: 25527264). The variant has been reported to be in trans with a pathogenic variant as either compound heterozygous or homozygous in at least one similarly affected unrelated individual (PMID: 25527264). However, the evidence of pathogenicity is insufficient at this time. Therefore, this variant is classified as VUS according to the recommendation of ACMG/AMP guideline.

Labcorp Genetics (formerly Invitae), Labcorp
Classification: Uncertain significance. Last evaluated: 2022-07-11. Review status: criteria provided, single submitter. Criteria: Invitae Variant Classification Sherloc (09022015). Collection method: clinical testing. Allele origin: germline.
Comment: This sequence change replaces leucine, which is neutral and non-polar, with serine, which is neutral and polar, at codon 426 of the DARS protein (p.Leu426Ser). This variant is present in population databases (rs377510027, gnomAD 0.01%). This missense change has been observed in individual(s) with clinical features of leukodystrophy (PMID: 25527264). ClinVar contains an entry for this variant (Variation ID: 488394). Algorithms developed to predict the effect of missense changes on protein structure and function (SIFT, PolyPhen-2, Align-GVGD) all suggest that this variant is likely to be disruptive. In summary, the available evidence is currently insufficient to determine the role of this variant in disease. Therefore, it has been classified as a Variant of Uncertain Significance.

Victorian Clinical Genetics Services, Murdoch Childrens Research Institute
Classification: Likely pathogenic for Hypomyelination with brain stem and spinal cord involvement and leg spasticity. Last evaluated: 2017-09-13. Review status: criteria provided, single submitter. Criteria: ACMG Guidelines, 2015. Collection method: clinical testing. Allele origin: unknown. Inheritance: Autosomal recessive inheritance. Affected: yes.
Comment: A heterozygous missense variant, NM_001349.2(DARS):c.1277T>C, has been identified in exon 14 of 16 of the DARS gene. This substitution creates a major amino acid change of a leucine to serine at position 426, NP_001340.2(DARS):p.(Leu426Ser). The leucine residue at this position has very high conservation (100 vertebrates, UCSC). It is located within an aminoacyl tRNA synthetase class II domain. In-silico predictions for this variant are consistently pathogenic (Polyphen, SIFT, CADD, Mutation Taster). The variant is present in the gnomAD database at a frequency of 0.0001 (0 homozygotes). The variant has been previously described in a homozygous state as pathogenic in a patient with leukoencephalopathy (Wolf, N. et al., (2015)). Based on the information available at the time of curation, this variant has been classified as LIKELY PATHOGENIC.

Literature cited by the submitters: PubMed 25527264 (cited by 3billion and Labcorp Genetics (formerly Invitae), Labcorp).